The following is an entry in ClinVar:

ClinVar aggregate classification (germline): Likely pathogenic (1 of 4 stars; one submission).

Conditions:
Intellectual developmental disorder 62. Also called: MENTAL RETARDATION, AUTOSOMAL DOMINANT 62; INTELLECTUAL DEVELOPMENTAL DISORDER, AUTOSOMAL DOMINANT 62. Identifiers: MedGen C5394083, MONDO:0032919, OMIM 618793.

Submission:

Victorian Clinical Genetics Services, Murdoch Childrens Research Institute
Classification: Likely pathogenic for Intellectual developmental disorder 62. Last evaluated: 2024-10-09. Review status: criteria provided, single submitter. Criteria: ACMG Guidelines, 2015. Collection method: clinical testing. Allele origin: germline. Inheritance: Autosomal dominant inheritance. Affected: yes.
Comment: Based on the classification scheme VCGS_Germline_v1.3.4, this variant is classified as Likely pathogenic. Following criteria are met: 0102 - Loss of function is a known mechanism of disease in this gene and is associated with intellectual developmental disorder 62 (MIM#618793). (I) 0107 - This gene is associated with autosomal dominant disease. (I) 0200 - Variant is predicted to result in a missense amino acid change from proline to serine. (I) 0251 - This variant is heterozygous. (I) 0301 - Variant is absent from gnomAD (both v2 and v3). (SP) 0502 - Missense variant with conflicting in silico predictions and uninformative conservation. (I) 0603 - Missense variant in a region that is highly intolerant to missense variation (high constraint region in DECIPHER). (SP) 0705 - No comparable missense variants have previous evidence for pathogenicity. (I) 0807 - This variant has no previous evidence of pathogenicity. (I) 0905 - No published segregation evidence has been identified for this variant. (I) 1007 - No published functional evidence has been identified for this variant. (SP) Legend: (SP) - Supporting pathogenic, (I) - Information, (SB) - Supporting benign

NM_001321075.3(DLG4):c.1690C>T (p.Pro564Ser)

Gene: DLG4 (discs large MAGUK scaffold protein 4; minus strand). Cytogenetic location: 17p13.1.
Variant type: single nucleotide variant.
Coding change: c.1690C>T on transcript NM_001321075.3 (MANE Select); coding-DNA position 1690, C replaced by T.
Protein change: p.Pro564Ser; replaces proline 564 with serine.
Molecular consequence: missense variant. On other transcripts: non-coding transcript variant (1).
Genome position (GRCh38, 1-based): chr17:7,193,486, G>A on the plus strand (C>T on the coding strand, the complement: DLG4 is on the minus strand). VCF-style: chr17-7193486-G-A. GRCh37 (hg19) VCF-style: chr17-7096805-G-A.
Other names: c.1681C>T, p.Pro561Ser (NM_001128827.4); c.1810C>T, p.Pro604Ser (NM_001321074.1); c.1510C>T, p.Pro504Ser (NM_001321076.3, NM_001321077.3); c.1819C>T, p.Pro607Ser (NM_001365.5); c.1609C>T, p.Pro537Ser (NM_001369566.3); short protein forms P504S, P537S, P561S, P564S, P604S, P607S.
Identifiers: ClinVar variation 1805892 (VCV001805892.3), dbSNP rs2507922013, ClinGen allele CA397714990.